The following is an entry in ClinVar:

NM_001211.6(BUB1B):c.112A>G (p.Met38Val)

Gene: BUB1B (BUB1 mitotic checkpoint serine/threonine kinase B; plus strand). Cytogenetic location: 15q15.1.
Variant type: single nucleotide variant.
Coding change: c.112A>G on transcript NM_001211.6 (MANE Select); coding-DNA position 112, A replaced by G.
Protein change: p.Met38Val; replaces methionine 38 with valine.
Molecular consequence: missense variant.
Genome position (GRCh38, 1-based): chr15:40,165,129, A>G. VCF-style: chr15-40165129-A-G. GRCh37 (hg19) VCF-style: chr15-40457330-A-G.
Other names: short protein forms M38V.
Identifiers: ClinVar variation 3221330 (VCV003221330.1), dbSNP rs2542508692, ClinGen allele CA391677123.

ClinVar aggregate classification (germline): Uncertain significance (1 of 4 stars; one submission).

Conditions:
Inborn genetic diseases. Identifiers: MedGen C0950123, MeSH D030342.

Allele frequency attached by ClinVar (database versions not stated): gnomAD exomes below 0.00001.
gnomAD v4.1: 3 of 1,614,214 alleles (0.00019%); highest among the groups gnomAD compares: Non-Finnish European, 0.00025%; no homozygotes.

Submission:

Ambry Genetics
Classification: Uncertain significance for Inborn genetic diseases. Last evaluated: 2022-11-11. Review status: criteria provided, single submitter. Criteria: Ambry Variant Classification Scheme 2023. Collection method: clinical testing. Allele origin: germline.
Comment: The p.M38V variant (also known as c.112A>G), located in coding exon 2 of the BUB1B gene, results from an A to G substitution at nucleotide position 112. The methionine at codon 38 is replaced by valine, an amino acid with highly similar properties. This amino acid position is conserved. In addition, this alteration is predicted to be tolerated by in silico analysis. Since supporting evidence is limited at this time, the clinical significance of this alteration remains unclear.